The following is an entry in ClinVar:

NM_000093.5(COL5A1):c.4550A>G (p.Glu1517Gly)

Genes: COL5A1 (collagen type V alpha 1 chain; plus strand), LOC101448202 (uncharacterized LOC101448202; minus strand). Cytogenetic location: 9q34.3.
Variant type: single nucleotide variant.
Coding change: c.4550A>G on transcript NM_000093.5 (MANE Select); coding-DNA position 4550, A replaced by G.
Protein change: p.Glu1517Gly; replaces glutamic acid 1517 with glycine.
Molecular consequence: missense variant.
Genome position (GRCh38, 1-based): chr9:134,820,219, A>G. VCF-style: chr9-134820219-A-G. GRCh37 (hg19) VCF-style: chr9-137712065-A-G.
Other names: c.4550A>G, p.Glu1517Gly (NM_001278074.1); short protein forms E1517G.
Identifiers: ClinVar variation 2868982 (VCV002868982.3), dbSNP rs964339996, ClinGen allele CA201097625.

ClinVar aggregate classification (germline): Uncertain significance (1 of 4 stars; one submission).

Conditions:
Ehlers-Danlos syndrome, classic type, 1 (EDSCL1). Also called: EHLERS-DANLOS SYNDROME, GRAVIS TYPE; EHLERS-DANLOS SYNDROME, SEVERE CLASSIC TYPE; Ehlers-Danlos syndrome, type 1; Ehlers-Danlos Syndrome, Classic Type, COL5A1-Related; EDS I. Identifiers: MedGen C0268335, MONDO:0019567, OMIM 130000.

Allele frequency attached by ClinVar (database versions not stated): gnomAD exomes below 0.00001; gnomAD 0.00001.
gnomAD v4.1: 3 of 1,612,870 alleles (0.00019%); highest among the groups gnomAD compares: Non-Finnish European, 0.00025%; no homozygotes.

Submission:

Labcorp Genetics (formerly Invitae), Labcorp
Classification: Uncertain significance for Ehlers-Danlos syndrome, classic type, 1. Last evaluated: 2024-02-06. Review status: criteria provided, single submitter. Criteria: Invitae Variant Classification Sherloc (09022015). Collection method: clinical testing. Allele origin: germline.
Comment: This sequence change replaces glutamic acid, which is acidic and polar, with glycine, which is neutral and non-polar, at codon 1517 of the COL5A1 protein (p.Glu1517Gly). This variant is present in population databases (no rsID available, gnomAD 0.002%). This missense change has been observed in individual(s) with Ehlers-Danlos syndrome (Invitae). Advanced modeling of protein sequence and biophysical properties (such as structural, functional, and spatial information, amino acid conservation, physicochemical variation, residue mobility, and thermodynamic stability) has been performed at Invitae for this missense variant, however the output from this modeling did not meet the statistical confidence thresholds required to predict the impact of this variant on COL5A1 protein function. In summary, the available evidence is currently insufficient to determine the role of this variant in disease. Therefore, it has been classified as a Variant of Uncertain Significance.